The following is an entry in ClinVar:

ClinVar aggregate classification (germline): Benign (1 of 4 stars; one submission).

Conditions:
Parietal foramina 2 (PFM2). Identifiers: Orphanet 60015, MedGen C1865044, MONDO:0012309, OMIM 609597.

Allele frequency attached by ClinVar (database versions not stated): gnomAD 0.01154 and 0.01238; 1000 Genomes Project 0.01318; TOPMed 0.01354; 1000 Genomes Project 30x 0.01405.

Submission:

Illumina Laboratory Services, Illumina
Classification: Benign for Parietal foramina 2. Last evaluated: 2018-01-12. Review status: criteria provided, single submitter. Criteria: ICSL Variant Classification Criteria 13 December 2019. Collection method: clinical testing. Allele origin: germline.
Comment: This variant was observed in the ICSL laboratory as part of a predisposition screen in an ostensibly healthy population. It had not been previously curated by ICSL or reported in the Human Gene Mutation Database (HGMD: prior to June 1st, 2018), and was therefore a candidate for classification through an automated scoring system. Utilizing variant allele frequency, disease prevalence and penetrance estimates, and inheritance mode, an automated score was calculated to assess if this variant is too frequent to cause the disease. Based on the score and internal cut-off values, a variant classified as benign is not then subjected to further curation. The score for this variant resulted in a classification of benign for this disease.

NM_021926.4(ALX4):c.*1901A>G

Gene: ALX4 (ALX homeobox 4; minus strand). Cytogenetic location: 11p11.2.
Variant type: single nucleotide variant.
Coding change: c.*1901A>G on transcript NM_021926.4 (MANE Select); 1901 bases downstream of the stop codon, A replaced by G.
Molecular consequence: 3 prime UTR variant.
Genome position (GRCh38, 1-based): chr11:44,262,953, T>C on the plus strand (A>G on the coding strand, the complement: ALX4 is on the minus strand). VCF-style: chr11-44262953-T-C. GRCh37 (hg19) VCF-style: chr11-44284503-T-C.
Other names: c.*1901A>G (LRG_1256t1).
Identifiers: ClinVar variation 304648 (VCV000304648.5), dbSNP rs78007447, ClinGen allele CA10638536.